The following is an entry in ClinVar:

ClinVar aggregate classification (germline): Likely benign (1 of 4 stars; one submission).

gnomAD v4.1: 15 of 132,766 alleles (0.011%); highest among the groups gnomAD compares: African/African-American, 0.029%; no homozygotes.

Submission:

CeGaT Center for Human Genetics Tuebingen
Classification: Likely benign. Last evaluated: 2025-05-01. Review status: criteria provided, single submitter. Criteria: CeGaT Center For Human Genetics Tuebingen Variant Classification Criteria Version 2. Collection method: clinical testing. Allele origin: germline. Affected: yes. Observed: 1 variant allele.
Comment: RAD51C: BP4, BP7

NM_058216.3(RAD51C):c.966-2280G>A

Gene: RAD51C (RAD51 paralog C; plus strand). Cytogenetic location: 17q22.
Variant type: single nucleotide variant.
Coding change: c.966-2280G>A on transcript NM_058216.3 (MANE Select); 2280 bases into the intron before coding-DNA position 966, G replaced by A.
Molecular consequence: intron variant.
Genome position (GRCh38, 1-based): chr17:58,730,204, G>A. VCF-style: chr17-58730204-G-A. GRCh37 (hg19) VCF-style: chr17-56807565-G-A.
Identifiers: ClinVar variation 3905689 (VCV003905689.10).